The following is an entry in ClinVar:

ClinVar aggregate classification (germline): Uncertain significance (1 of 4 stars; one submission).

Conditions:
Familial cancer of breast. Also called: BREAST CANCER, FAMILIAL; hereditary breast carcinoma; Hereditary breast cancer. Identifiers: Orphanet 227535, MedGen C0346153, MONDO:0016419, OMIM 114480. Disease mechanism: loss of function.

Submission:

Labcorp Genetics (formerly Invitae), Labcorp
Classification: Uncertain significance for Familial cancer of breast. Last evaluated: 2024-04-16. Review status: criteria provided, single submitter. Criteria: Invitae Variant Classification Sherloc (09022015). Collection method: clinical testing. Allele origin: germline.
Comment: This sequence change replaces isoleucine, which is neutral and non-polar, with serine, which is neutral and polar, at codon 281 of the PALB2 protein (p.Ile281Ser). This variant is not present in population databases (gnomAD no frequency). This variant has not been reported in the literature in individuals affected with PALB2-related conditions. ClinVar contains an entry for this variant (Variation ID: 1524975). Algorithms developed to predict the effect of missense changes on protein structure and function output the following: SIFT: "Not Available"; PolyPhen-2: "Benign"; Align-GVGD: "Not Available". The serine amino acid residue is found in multiple mammalian species, which suggests that this missense change does not adversely affect protein function. In summary, the available evidence is currently insufficient to determine the role of this variant in disease. Therefore, it has been classified as a Variant of Uncertain Significance.

NM_024675.4(PALB2):c.842T>G (p.Ile281Ser)

Gene: PALB2 (partner and localizer of BRCA2; minus strand). Cytogenetic location: 16p12.2.
Variant type: single nucleotide variant.
Coding change: c.842T>G on transcript NM_024675.4 (MANE Select); coding-DNA position 842, T replaced by G.
Protein change: p.Ile281Ser; replaces isoleucine 281 with serine.
Molecular consequence: missense variant.
Genome position (GRCh38, 1-based): chr16:23,635,704, A>C on the plus strand (T>G on the coding strand, the complement: PALB2 is on the minus strand). VCF-style: chr16-23635704-A-C. GRCh37 (hg19) VCF-style: chr16-23647025-A-C.
Other names: short protein forms I281S.
Identifiers: ClinVar variation 1524975 (VCV001524975.9), dbSNP rs950480706, ClinGen allele CA279499297.